The following is an entry in ClinVar:

ClinVar aggregate classification (germline): Likely benign. Review status: criteria provided, multiple submitters, no conflicts (2 of 4 stars). 4 submissions from 4 submitters: Likely benign (3). 1 of the submissions does not count toward it. Last evaluated 2026-05-04.

Conditions:
KIF1B-related disorder. Also called: KIF1B-related condition.

Allele frequency attached by ClinVar (database versions not stated): gnomAD exomes below 0.00001.
gnomAD v4.1: 1 of 1,614,194 alleles (0.000062%); highest among the groups gnomAD compares: Non-Finnish European, 0.000085%; no homozygotes.

Submissions (4):

Women's Health and Genetics/Laboratory Corporation of America, LabCorp
Classification: Likely benign. Last evaluated: 2026-05-04. Review status: criteria provided, single submitter. Criteria: LabCorp Variant Classification Summary - May 2015. Collection method: clinical testing. Allele origin: germline.

CeGaT Center for Human Genetics Tuebingen
Classification: Likely benign. Last evaluated: 2022-07-01. Review status: criteria provided, single submitter. Criteria: CeGaT Center For Human Genetics Tuebingen Variant Classification Criteria Version 2. Collection method: clinical testing. Allele origin: germline. Affected: yes. Observed: 1 variant allele.
Comment: KIF1B: PM2:Supporting, BP4, BP7

Ambry Genetics
Classification: Likely benign. Last evaluated: 2020-08-07. Review status: criteria provided, single submitter. Criteria: Ambry Variant Classification Scheme 2023. Collection method: clinical testing. Allele origin: germline.

PreventionGenetics, part of Exact Sciences
Classification: Likely benign for KIF1B-related condition. Last evaluated: 2022-07-15. Review status: no assertion criteria provided. Collection method: clinical testing. Allele origin: germline. Not counted in ClinVar's aggregate classification.
Comment: This variant is classified as likely benign based on ACMG/AMP sequence variant interpretation guidelines (Richards et al. 2015 PMID: 25741868, with internal and published modifications).

NM_001365951.3(KIF1B):c.525A>T (p.Gly175=)

Gene: KIF1B (kinesin family member 1B; plus strand). Cytogenetic location: 1p36.22.
Variant type: single nucleotide variant.
Coding change: c.525A>T on transcript NM_001365951.3 (MANE Select); coding-DNA position 525, A replaced by T.
Protein change: p.Gly175=; no amino-acid change (glycine 175 retained).
Molecular consequence: synonymous variant.
Genome position (GRCh38, 1-based): chr1:10,267,475, A>T. VCF-style: chr1-10267475-A-T. GRCh37 (hg19) VCF-style: chr1-10327533-A-T.
Other names: c.525A>T, p.Gly175= (NM_001365952.1, NM_001365953.1, NM_015074.3 and 1 more transcripts).
Identifiers: ClinVar variation 1746411 (VCV001746411.28), dbSNP rs2521042370, ClinGen allele CA415879438.
Genomic context (GRCh38, chr1:10,267,475, plus strand): 5'-AGATTTGCTGAATCCAAAAAACAAGGGTAATTTGCGTGTGCGTGAACACCCACTTCTTGG[A>T]CCCTATGTGGAGGATCTGTCCAAGTTGGCAGTTACTTCCTACACAGACATTGCTGACCTC-3'
Protein context (NP_001352880.1, residues 165-185): NLRVREHPLL[Gly175=]PYVEDLSKLA